The following is an entry in ClinVar:

ClinVar aggregate classification (germline): Uncertain significance (1 of 4 stars; one submission).

Conditions:
Cystic fibrosis (CF). Also called: MUCOVISCIDOSIS. Identifiers: Orphanet 586, MedGen C0010674, MONDO:0009061, OMIM 219700. Disease mechanism: loss of function.

Submission:

Ambry Genetics
Classification: Uncertain significance for Cystic fibrosis. Last evaluated: 2025-05-14. Review status: criteria provided, single submitter. Criteria: Ambry Variant Classification Scheme 2023. Collection method: clinical testing. Allele origin: germline.
Comment: The p.L180I variant (also known as c.538C>A), located in coding exon 5 of the CFTR gene, results from a C to A substitution at nucleotide position 538. The leucine at codon 180 is replaced by isoleucine, an amino acid with highly similar properties. This amino acid position is highly conserved in available vertebrate species. In addition, the in silico prediction for this alteration is inconclusive. Based on the available evidence, the clinical significance of this variant remains unclear.

NM_000492.4(CFTR):c.538C>A (p.Leu180Ile)

Gene: CFTR (CF transmembrane conductance regulator; plus strand). Cytogenetic location: 7q31.2.
Variant type: single nucleotide variant.
Coding change: c.538C>A on transcript NM_000492.4 (MANE Select); coding-DNA position 538, C replaced by A.
Protein change: p.Leu180Ile; replaces leucine 180 with isoleucine.
Molecular consequence: missense variant.
Genome position (GRCh38, 1-based): chr7:117,534,324, C>A. VCF-style: chr7-117534324-C-A. GRCh37 (hg19) VCF-style: chr7-117174378-C-A.
Other names: short protein forms L180I.
Identifiers: ClinVar variation 4001810 (VCV004001810.1).